The following is an entry in ClinVar:

ClinVar aggregate classification (germline): Likely pathogenic (1 of 4 stars; one submission).

Conditions:
Dilated cardiomyopathy 1G (CMD1G). Identifiers: Orphanet 154, MedGen C1858763, MONDO:0011400, OMIM 604145.
Autosomal recessive limb-girdle muscular dystrophy type 2J (LGMDR10). Also called: Limb-girdle muscular dystrophy, type 2J; MUSCULAR DYSTROPHY, LIMB-GIRDLE, AUTOSOMAL RECESSIVE 10. Identifiers: Orphanet 140922, MedGen C1837342, MONDO:0012127, OMIM 608807.

Submission:

Labcorp Genetics (formerly Invitae), Labcorp
Classification: Likely pathogenic for Dilated cardiomyopathy 1G; Autosomal recessive limb-girdle muscular dystrophy type 2J. Last evaluated: 2017-08-11. Review status: criteria provided, single submitter. Criteria: Invitae Variant Classification Sherloc (09022015). Collection method: clinical testing. Allele origin: germline.
Comment: This sequence change is an Alu-mediated insertion in exon 326 of the TTN mRNA (c.69937_69938insAlu), causing a frameshift at codon 23313 (p.Asn23313fs). The exact size and sequence of the insertion cannot be determined by the current assay. However, the insertion is expected to result in an absent or disrupted protein product. This variant has not been reported in the literature in individuals with TTN-related disease. Retrotransposon insertions including LINE1 (L1), Alu, and SVA (SINE-VNTR-Alu) have been reported to be disease-causing through disruption of either a coding region or splice site (PMID: 19763152, 20307669, 22406018). In summary, the currently available evidence indicates that the variant is pathogenic, but additional data are needed to prove that conclusively. Therefore, this variant has been classified as Likely Pathogenic. This variant is found in the A-band of this gene. Loss-of-function variants in the A-band of TTN are significantly overrepresented in patients with dilated cardiomyopathy and are considered to be likely pathogenic for the disease (PMID: 25589632).

Literature cited by the submitters: PubMed 19763152; PubMed 20307669; PubMed 22406018; PubMed 25589632.

NM_001267550.2(TTN):c.69937_69938insGAAAAATACAGGCCGGGCGCGGTGGCTCACGCCTGTAATCCCAGCACTTTGGGAGGCCGAGGCGGGCGGATCATGAGGTCAGGAGATCGAGACCATCCTGGCTANNNNNNNNNNNNNNNNNNNAAAAAAAAAAAAAAAAAAAAAAAAAAA (p.Asn23313delinsArgLysIleGlnAlaGlyArgGlyGlySerArgLeuTer)

Genes: TTN (titin; minus strand), TTN-AS1 (TTN antisense RNA 1; plus strand), LOC126806422 (BRD4-independent group 4 enhancer GRCh37_chr2:179440205-179441404; plus strand). Cytogenetic location: 2q31.2.
Variant type: Microsatellite.
Coding change: c.69937_69938insGAAAAATACAGGCCGGGCGCGGTGGCTCACGCCTGTAATCCCAGCACTTTGGGAGGCCGAGGCGGGCGGATCATGAGGTCAGGAGATCGAGACCATCCTGGCTANNNNNNNNNNNNNNNNNNNAAAAAAAAAAAAAAAAAAAAAAAAAAA on transcript NM_001267550.2 (MANE Select); coding-DNA positions 69937 to 69938, GAAAAATACAGGCCGGGCGCGGTGGCTCACGCCTGTAATCCCAGCACTTTGGGAGGCCGAGGCGGGCGGATCATGAGGTCAGGAGATCGAGACCATCCTGGCTANNNNNNNNNNNNNNNNNNNAAAAAAAAAAAAAAAAAAAAAAAAAAA inserted.
Protein change: p.Asn23313delinsArgLysIleGlnAlaGlyArgGlyGlySerArgLeuTer.
Molecular consequence: nonsense.
Genome position: GRCh38, VCF-style position (the base before the change): chr2:178,576,194. GRCh37 (hg19), VCF-style position (the base before the change): chr2:179,440,921.
Other names: c.42742_42743insGAAAAATACAGGCCGGGCGCGGTGGCTCACGCCTGTAATCCCAGCACTTTGGGAGGCCGAGGCGGGCGGATCATGAGGTCAGGAGATCGAGACCATCCTGGCTANNNNNNNNNNNNNNNNNNNAAAAAAAAAAAAAAAAAAAAAAAAAAA, p.Asn14248delinsArgLysIleGlnAlaGlyArgGlyGlySerArgLeuTer (NM_003319.4); c.43117_43118insGAAAAATACAGGCCGGGCGCGGTGGCTCACGCCTGTAATCCCAGCACTTTGGGAGGCCGAGGCGGGCGGATCATGAGGTCAGGAGATCGAGACCATCCTGGCTANNNNNNNNNNNNNNNNNNNAAAAAAAAAAAAAAAAAAAAAAAAAAA, p.Asn14373delinsArgLysIleGlnAlaGlyArgGlyGlySerArgLeuTer (NM_133432.3); c.43318_43319insGAAAAATACAGGCCGGGCGCGGTGGCTCACGCCTGTAATCCCAGCACTTTGGGAGGCCGAGGCGGGCGGATCATGAGGTCAGGAGATCGAGACCATCCTGGCTANNNNNNNNNNNNNNNNNNNAAAAAAAAAAAAAAAAAAAAAAAAAAA, p.Asn14440delinsArgLysIleGlnAlaGlyArgGlyGlySerArgLeuTer (NM_133437.4); c.62233_62234insGAAAAATACAGGCCGGGCGCGGTGGCTCACGCCTGTAATCCCAGCACTTTGGGAGGCCGAGGCGGGCGGATCATGAGGTCAGGAGATCGAGACCATCCTGGCTANNNNNNNNNNNNNNNNNNNAAAAAAAAAAAAAAAAAAAAAAAAAAA, p.Asn20745delinsArgLysIleGlnAlaGlyArgGlyGlySerArgLeuTer (NM_133378.4); c.65014_65015insGAAAAATACAGGCCGGGCGCGGTGGCTCACGCCTGTAATCCCAGCACTTTGGGAGGCCGAGGCGGGCGGATCATGAGGTCAGGAGATCGAGACCATCCTGGCTANNNNNNNNNNNNNNNNNNNAAAAAAAAAAAAAAAAAAAAAAAAAAA, p.Asn21672delinsArgLysIleGlnAlaGlyArgGlyGlySerArgLeuTer (NM_001256850.1).
Identifiers: ClinVar variation 1067336 (VCV001067336.9).